The following is an entry in ClinVar:

ClinVar aggregate classification (germline): Uncertain significance. Review status: criteria provided, multiple submitters, no conflicts (2 of 4 stars). 2 submissions from 2 submitters: Uncertain significance (2). Last evaluated 2022-07-22.

Conditions:
Inborn genetic diseases. Identifiers: MedGen C0950123, MeSH D030342.

Submissions (2):

Labcorp Genetics (formerly Invitae), Labcorp
Classification: Uncertain significance. Last evaluated: 2022-07-22. Review status: criteria provided, single submitter. Criteria: Invitae Variant Classification Sherloc (09022015). Collection method: clinical testing. Allele origin: germline.
Comment: This variant is not present in population databases (gnomAD no frequency). This sequence change replaces valine, which is neutral and non-polar, with methionine, which is neutral and non-polar, at codon 29 of the PRKN protein (p.Val29Met). This variant has not been reported in the literature in individuals affected with PRKN-related conditions. Advanced modeling of protein sequence and biophysical properties (such as structural, functional, and spatial information, amino acid conservation, physicochemical variation, residue mobility, and thermodynamic stability) performed at Invitae indicates that this missense variant is not expected to disrupt PRKN protein function. In summary, the available evidence is currently insufficient to determine the role of this variant in disease. Therefore, it has been classified as a Variant of Uncertain Significance.

Ambry Genetics
Classification: Uncertain significance for Inborn genetic diseases. Last evaluated: 2022-05-10. Review status: criteria provided, single submitter. Criteria: Ambry Variant Classification Scheme 2023. Collection method: clinical testing. Allele origin: germline.

NM_004562.3(PRKN):c.85G>A (p.Val29Met)

Gene: PRKN (parkin RBR E3 ubiquitin protein ligase; minus strand). Cytogenetic location: 6q26.
Variant type: single nucleotide variant.
Coding change: c.85G>A on transcript NM_004562.3 (MANE Select); coding-DNA position 85, G replaced by A.
Protein change: p.Val29Met; replaces valine 29 with methionine.
Molecular consequence: missense variant.
Genome position (GRCh38, 1-based): chr6:162,443,396, C>T on the plus strand (G>A on the coding strand, the complement: PRKN is on the minus strand). VCF-style: chr6-162443396-C-T. GRCh37 (hg19) VCF-style: chr6-162864428-C-T.
Other names: c.85G>A (NM_004562.2); c.85G>A, p.Val29Met (NM_013987.3, NM_013988.3); short protein forms V29M.
Identifiers: ClinVar variation 2177191 (VCV002177191.5), dbSNP rs2547060417, ClinGen allele CA366477348.